The following is an entry in ClinVar:

NM_001378457.1(DMXL2):c.7814G>A (p.Arg2605Gln)

Gene: DMXL2 (Dmx like 2; minus strand). Cytogenetic location: 15q21.2.
Variant type: single nucleotide variant.
Coding change: c.7814G>A on transcript NM_001378457.1 (MANE Select); coding-DNA position 7814, G replaced by A.
Protein change: p.Arg2605Gln; replaces arginine 2605 with glutamine.
Molecular consequence: missense variant. On other transcripts: non-coding transcript variant (1).
Genome position (GRCh38, 1-based): chr15:51,463,491, C>T on the plus strand (G>A on the coding strand, the complement: DMXL2 is on the minus strand). VCF-style: chr15-51463491-C-T. GRCh37 (hg19) VCF-style: chr15-51755688-C-T.
Other names: c.7814G>A, p.Arg2605Gln (NM_001174116.3, NM_001378461.1); c.5903G>A, p.Arg1968Gln (NM_001174117.3); c.7811G>A, p.Arg2604Gln (NM_001378458.1, NM_001378462.1, NM_015263.5); c.7526G>A, p.Arg2509Gln (NM_001378459.1); c.5792G>A, p.Arg1931Gln (NM_001378460.1); c.7612G>A, p.Gly2538Arg (NM_001378463.1); c.7571G>A, p.Arg2524Gln (NM_001378464.1); short protein forms R1968Q, R2605Q, G2538R, R2509Q, R2604Q, R1931Q, R2524Q.
Identifiers: ClinVar variation 2185865 (VCV002185865.1), dbSNP rs763781688, ClinGen allele CA7561215.
Genomic context (GRCh38, chr15:51,463,491, plus strand): 5'-AGGACCTCTTGTTTAACAAGGAAATGCCAAAGTCGTTTGACTGGAAATGCAGAAGAATCC[C>T]GGGACCTATTAAAAAAAATTAACATATCACACTACTTTAGTCTATAGAAAATATGTTTAT-3'
Protein context (NP_001365386.1, residues 2595-2615): LEPENTPFKS[Arg2605Gln]DSSAFPVKRL

ClinVar aggregate classification (germline): Uncertain significance (1 of 4 stars; one submission).

Allele frequency attached by ClinVar (database versions not stated): gnomAD exomes 0.00001; TOPMed 0.00002; ExAC 0.00004.
gnomAD v4.1: 16 of 1,567,434 alleles (0.001%); highest among the groups gnomAD compares: Admixed American, 0.023%; no homozygotes.

Submission:

Labcorp Genetics (formerly Invitae), Labcorp
Classification: Uncertain significance. Last evaluated: 2022-08-16. Review status: criteria provided, single submitter. Criteria: Invitae Variant Classification Sherloc (09022015). Collection method: clinical testing. Allele origin: germline.
Comment: This sequence change replaces arginine, which is basic and polar, with glutamine, which is neutral and polar, at codon 2605 of the DMXL2 protein (p.Arg2605Gln). This variant is present in population databases (rs763781688, gnomAD 0.04%). This variant has not been reported in the literature in individuals affected with DMXL2-related conditions. Algorithms developed to predict the effect of missense changes on protein structure and function (SIFT, PolyPhen-2, Align-GVGD) all suggest that this variant is likely to be tolerated. In summary, the available evidence is currently insufficient to determine the role of this variant in disease. Therefore, it has been classified as a Variant of Uncertain Significance.